The following is an entry in ClinVar:

ClinVar aggregate classification (germline): Uncertain significance (1 of 4 stars; one submission).

Conditions:
Neuropathy, hereditary sensory and autonomic, type 2A (HSAN2A). Also called: ACROOSTEOLYSIS, GIACCAI TYPE; ACROOSTEOLYSIS, NEUROGENIC; MORVAN DISEASE; NEUROPATHY, CONGENITAL SENSORY; NEUROPATHY, HEREDITARY SENSORY RADICULAR, AUTOSOMAL RECESSIVE; NEUROPATHY, HEREDITARY SENSORY, TYPE IIA. Identifiers: Orphanet 970, MedGen C2752089, MONDO:0024309, OMIM 201300.
Pseudohypoaldosteronism type 2C (PHA2C). Also called: Pseudohypoaldosteronism Type IIC. Identifiers: Orphanet 757, Orphanet 88940, MedGen C1840391, MONDO:0013778, OMIM 614492.

Submission:

Labcorp Genetics (formerly Invitae), Labcorp
Classification: Uncertain significance for Neuropathy, hereditary sensory and autonomic, type 2A; Pseudohypoaldosteronism type 2C. Last evaluated: 2022-04-01. Review status: criteria provided, single submitter. Criteria: Invitae Variant Classification Sherloc (09022015). Collection method: clinical testing. Allele origin: germline.
Comment: This variant is not present in population databases (gnomAD no frequency). In summary, the available evidence is currently insufficient to determine the role of this variant in disease. Therefore, it has been classified as a Variant of Uncertain Significance. Advanced modeling of protein sequence and biophysical properties (such as structural, functional, and spatial information, amino acid conservation, physicochemical variation, residue mobility, and thermodynamic stability) performed at Invitae indicates that this missense variant is not expected to disrupt WNK1 protein function. This variant has not been reported in the literature in individuals affected with WNK1-related conditions. This sequence change replaces alanine, which is neutral and non-polar, with glycine, which is neutral and non-polar, at codon 1602 of the WNK1 protein (p.Ala1602Gly).

NM_018979.4(WNK1):c.4049C>G (p.Ala1350Gly)

Gene: WNK1 (WNK lysine deficient protein kinase 1; plus strand). Cytogenetic location: 12p13.33.
Variant type: single nucleotide variant.
Coding change: c.4049C>G on transcript NM_018979.4 (MANE Select); coding-DNA position 4049, C replaced by G.
Protein change: p.Ala1350Gly; replaces alanine 1350 with glycine.
Molecular consequence: missense variant.
Genome position (GRCh38, 1-based): chr12:884,853, C>G. VCF-style: chr12-884853-C-G. GRCh37 (hg19) VCF-style: chr12-994019-C-G.
Other names: c.4829C>G, p.Ala1610Gly (NM_001184985.2); c.3308C>G, p.Ala1103Gly (NM_014823.3); c.4805C>G, p.Ala1602Gly (NM_213655.5); short protein forms A1350G, A1610G, A1103G, A1602G.
Identifiers: ClinVar variation 2120399 (VCV002120399.4), dbSNP rs1318448283, ClinGen allele CA383330458.